The following is an entry in ClinVar:

NM_001283009.2(RTEL1):c.3172C>T (p.His1058Tyr)

Genes: RTEL1 (regulator of telomere elongation helicase 1; plus strand), RTEL1-TNFRSF6B (RTEL1-TNFRSF6B readthrough (NMD candidate); plus strand). Cytogenetic location: 20q13.33.
Variant type: single nucleotide variant.
Coding change: c.3172C>T on transcript NM_001283009.2 (MANE Select); coding-DNA position 3172, C replaced by T.
Protein change: p.His1058Tyr; replaces histidine 1058 with tyrosine.
Molecular consequence: missense variant. On other transcripts: non-coding transcript variant (1).
Genome position (GRCh38, 1-based): chr20:63,694,803, C>T. VCF-style: chr20-63694803-C-T. GRCh37 (hg19) VCF-style: chr20-62326156-C-T.
Other names: c.2503C>T, p.His835Tyr (NM_001283010.1); c.3172C>T, p.His1058Tyr (NM_016434.4); c.3244C>T, p.His1082Tyr (NM_032957.5); short protein forms H1082Y, H1058Y, H835Y.
Identifiers: ClinVar variation 5028494 (VCV005028494.1).

ClinVar aggregate classification (germline): Uncertain significance (1 of 4 stars; one submission).

Conditions:
Inborn genetic diseases. Identifiers: MedGen C0950123, MeSH D030342.

Submission:

Ambry Genetics
Classification: Uncertain significance for Inborn genetic diseases. Last evaluated: 2026-07-26. Review status: criteria provided, single submitter. Criteria: Ambry Variant Classification Scheme 2023. Collection method: clinical testing. Allele origin: germline.
Comment: The p.H1058Y variant (also known as c.3172C>T), located in coding exon 31 of the RTEL1 gene, results from a C to T substitution at nucleotide position 3172. The histidine at codon 1058 is replaced by tyrosine, an amino acid with similar properties. This amino acid position is conserved. In addition, this alteration is predicted to be tolerated by in silico analysis. Based on the available evidence, the clinical significance of this variant remains unclear.